The following is an entry in ClinVar:

NM_001034852.3(SMOC1):c.584-2A>G

Gene: SMOC1 (SPARC related modular calcium binding 1; plus strand). Cytogenetic location: 14q24.2.
Variant type: single nucleotide variant.
Coding change: c.584-2A>G on transcript NM_001034852.3 (MANE Select); the canonical splice acceptor site of the intron before coding-DNA position 584, A replaced by G.
Molecular consequence: splice acceptor variant.
Genome position (GRCh38, 1-based): chr14:69,994,398, A>G. VCF-style: chr14-69994398-A-G. GRCh37 (hg19) VCF-style: chr14-70461115-A-G.
Other names: c.584-2A>G (NM_022137.6).
Identifiers: ClinVar variation 1325107 (VCV001325107.5), dbSNP rs772178551, ClinGen allele CA7246541.

ClinVar aggregate classification (germline): Likely pathogenic. Review status: criteria provided, multiple submitters, no conflicts (2 of 4 stars). 2 submissions from 2 submitters: Likely pathogenic (2). Last evaluated 2026-01-01.

Conditions:
Microphthalmia with limb anomalies (MLA). Also called: ANOPHTHALMIA-SYNDACTYLY; MICROPHTHALMIA AND LIMB ANOMALIES; OPHTHALMOACROMELIC SYNDROME. Identifiers: Orphanet 1106, MedGen C0599973, MONDO:0008800, OMIM 206920.

Allele frequency attached by ClinVar (database versions not stated): ExAC 0.00004; gnomAD 0.00004; gnomAD exomes 0.00006 and 0.00008; TOPMed 0.00006.
gnomAD v4.1: 126 of 1,613,288 alleles (0.0078%); highest among the groups gnomAD compares: Admixed American, 0.027%; no homozygotes.

Submissions (2):

Labcorp Genetics (formerly Invitae), Labcorp
Classification: Likely pathogenic. Last evaluated: 2026-01-01. Review status: criteria provided, single submitter. Criteria: Invitae Variant Classification Sherloc (09022015). Collection method: clinical testing. Allele origin: germline.
Comment: This sequence change affects an acceptor splice site in intron 6 of the SMOC1 gene. It is expected to disrupt RNA splicing. Variants that disrupt the donor or acceptor splice site typically lead to a loss of protein function (PMID: 16199547), and loss-of-function variants in SMOC1 are known to be pathogenic (PMID: 21194678). This variant is present in population databases (rs772178551, gnomAD 0.04%). This variant has not been reported in the literature in individuals affected with SMOC1-related conditions. ClinVar contains an entry for this variant (Variation ID: 1325107). Algorithms developed to predict the effect of sequence changes on RNA splicing suggest that this variant may disrupt the consensus splice site. In summary, the currently available evidence indicates that the variant is pathogenic, but additional data are needed to prove that conclusively. Therefore, this variant has been classified as Likely Pathogenic.

Revvity Omics, Revvity
Classification: Likely pathogenic for Microphthalmia with limb anomalies. Last evaluated: 2020-12-07. Review status: criteria provided, single submitter. Criteria: ACMG Guidelines, 2015. Collection method: clinical testing. Allele origin: germline.

Literature cited by the submitters: PubMed 16199547 (cited by Labcorp Genetics (formerly Invitae), Labcorp); PubMed 21194678 (cited by Labcorp Genetics (formerly Invitae), Labcorp).